The following is an entry in ClinVar:

NM_005431.2(XRCC2):c.121+484C>T

Gene: XRCC2 (X-ray repair cross complementing 2; minus strand). Cytogenetic location: 7q36.1.
Variant type: single nucleotide variant.
Coding change: c.121+484C>T on transcript NM_005431.2 (MANE Select); 484 bases into the intron after coding-DNA position 121, C replaced by T.
Molecular consequence: intron variant.
Genome position (GRCh38, 1-based): chr7:152,660,217, G>A on the plus strand (C>T on the coding strand, the complement: XRCC2 is on the minus strand). VCF-style: chr7-152660217-G-A. GRCh37 (hg19) VCF-style: chr7-152357302-G-A.
Identifiers: ClinVar variation 4822626 (VCV004822626.4).
Genomic context (GRCh38, chr7:152,660,217, plus strand): 5'-ATTACTAGAAATGAGCTTCTTTACGGGGAGATAAAATGCTCTAAAGTCAGCTGTGGTAAC[G>A]GTTGCACAACTGTGTAATAACCTAAAAATCACTTAACTGCACACTTCGGTGGGTGAATTT-3'

ClinVar aggregate classification (germline): Likely benign (1 of 4 stars; one submission).

gnomAD v4.1: 483 of 152,170 alleles (0.32%); highest among the groups gnomAD compares: Non-Finnish European, 0.47%; 3 homozygotes.

Submission:

CeGaT Center for Human Genetics Tuebingen
Classification: Likely benign. Last evaluated: 2026-05-01. Review status: criteria provided, single submitter. Criteria: CeGaT Center For Human Genetics Tuebingen Variant Classification Criteria Version 2. Collection method: clinical testing. Allele origin: germline. Affected: yes. Observed: 2 variant alleles.
Comment: XRCC2: BS2